The following is an entry in ClinVar:

NM_003998.4(NFKB1):c.1942C>A (p.Pro648Thr)

Gene: NFKB1 (nuclear factor kappa B subunit 1; plus strand). Cytogenetic location: 4q24.
Variant type: single nucleotide variant.
Coding change: c.1942C>A on transcript NM_003998.4 (MANE Select); coding-DNA position 1942, C replaced by A.
Protein change: p.Pro648Thr; replaces proline 648 with threonine.
Molecular consequence: missense variant.
Genome position (GRCh38, 1-based): chr4:102,606,685, C>A. VCF-style: chr4-102606685-C-A. GRCh37 (hg19) VCF-style: chr4-103527842-C-A.
Other names: c.1939C>A, p.Pro647Thr (NM_001165412.2, NM_001319226.2, NM_001382627.1); c.1942C>A, p.Pro648Thr (NM_001382625.1, NM_001382626.1); c.1900C>A, p.Pro634Thr (NM_001382628.1); short protein forms P634T, P647T, P648T.
Identifiers: ClinVar variation 4281371 (VCV004281371.7).
Genomic context (GRCh38, chr4:102,606,685, plus strand): 5'-CATGATAAAGTTCTCAGTATCTTACTCAAGCACAAAAAGGCAGCACTACTTCTTGACCAC[C>A]CCAACGGGGACGGTAAGAGACAATCACACATCATTGGTGTAACTTTCTCCACCTTCTAAA-3'
Protein context (NP_003989.2, residues 638-658): HKKAALLLDH[Pro648Thr]NGDGLNAIHL

ClinVar aggregate classification (germline): Uncertain significance (1 of 4 stars; one submission).

gnomAD v4.1: 3 of 1,613,944 alleles (0.00019%); highest among the groups gnomAD compares: Non-Finnish European, 0.00025%; no homozygotes.

Submission:

CeGaT Center for Human Genetics Tuebingen
Classification: Uncertain significance. Last evaluated: 2025-09-01. Review status: criteria provided, single submitter. Criteria: CeGaT Center For Human Genetics Tuebingen Variant Classification Criteria Version 2. Collection method: clinical testing. Allele origin: germline. Affected: yes. Observed: 1 variant allele.
Comment: NFKB1: PM2, BP4